The following is an entry in ClinVar:

NM_006269.2(RP1):c.2206dup (p.Thr736fs)

Gene: RP1 (RP1 axonemal microtubule associated; plus strand). Cytogenetic location: 8q12.1.
Variant type: Duplication.
Coding change: c.2206dup on transcript NM_006269.2 (MANE Select); coding-DNA position 2206, one base duplicated (A; older notation c.2206dupA).
Protein change: p.Thr736fs; shifts the reading frame from threonine 736.
Molecular consequence: frameshift variant.
Genome position (GRCh38, 1-based): chr8:54,626,088, A duplicated. VCF-style (leftmost placement, unchanged base first): chr8-54626087-T-TA. GRCh37 (hg19) VCF-style: chr8-55538647-T-TA.
Other names: c.2206dupA (NM_006269.1); c.2205delinsTA (NM_006269.2); short protein forms T736fs.
Identifiers: ClinVar variation 437951 (VCV000437951.12), dbSNP rs1554519554, ClinGen allele CA645509467.

ClinVar aggregate classification (germline): Pathogenic/Likely pathogenic. Review status: criteria provided, multiple submitters, no conflicts (2 of 4 stars). 4 submissions from 4 submitters: Pathogenic (1); Likely pathogenic (2). 1 of the submissions does not count toward it. Last evaluated 2025-12-09.

Conditions:
Retinitis pigmentosa 1 (RP1). Identifiers: Orphanet 791, MedGen C0220701, MONDO:0008377, OMIM 180100.
Retinitis pigmentosa (RP). Identifiers: Orphanet 791, MedGen C0035334, MeSH D012174, MONDO:0019200, OMIM 268000. Inheritance: Autosomal dominant, autosomal recessive and X linked inheritance.

Allele frequency attached by ClinVar (database versions not stated): gnomAD exomes below 0.00001.

Submissions (4):

Research Institute for Ophthalmology and Vision Science, Shahid Beheshti University of Medical Sciences
Classification: Likely pathogenic for Retinitis pigmentosa 1. Last evaluated: 2025-12-09. Review status: criteria provided, single submitter. Criteria: ACMG Guidelines, 2015. Collection method: research. Allele origin: inherited. Inheritance: Autosomal dominant inheritance. Affected: yes.
Comment: The NM_006269.2:c.2205delinsTA variant is predicted to be loss-of-function and has been identified in affected individuals from the same pedigree.

GeneDx
Classification: Likely pathogenic. Last evaluated: 2025-04-24. Review status: criteria provided, single submitter. Criteria: GeneDx Variant Classification Process June 2021. Collection method: clinical testing. Allele origin: germline. Affected: yes.
Comment: Identified in a patients with retinitis pigmentosa in published literature (PMID: 28041643, 32795431, 38219857); Frameshift variant predicted to result in abnormal protein length as the last 1421 amino acid are replaced with three different amino acids, and other similar variants have been reported in HGMD; Not observed at significant frequency in large population cohorts (gnomAD); This variant is associated with the following publications: (PMID: 28041643, 32795431, 38219857)

Labcorp Genetics (formerly Invitae), Labcorp
Classification: Pathogenic. Last evaluated: 2022-03-09. Review status: criteria provided, single submitter. Criteria: Invitae Variant Classification Sherloc (09022015). Collection method: clinical testing. Allele origin: germline.
Comment: This sequence change creates a premature translational stop signal (p.Thr736Asnfs*4) in the RP1 gene. While this is not anticipated to result in nonsense mediated decay, it is expected to disrupt the last 1421 amino acid(s) of the RP1 protein. This variant is not present in population databases (gnomAD no frequency). This premature translational stop signal has been observed in individual(s) with autosomal dominant retinitis pigmentosa (PMID: 28041643). ClinVar contains an entry for this variant (Variation ID: 437951). This variant disrupts the C-terminus of the RP1 protein. Many variants that disrupt this region have been reported in individuals with either autosomal dominant or autosomal recessive retinitis pigmentosa (PMID: 11527933, 19933189, 29425069, 30027431). Therefore, variants that disrupt this region are expected to be disease-causing. For these reasons, this variant has been classified as Pathogenic.

NIHR Bioresource Rare Diseases, University of Cambridge
Classification: Likely pathogenic for Retinitis pigmentosa. Last evaluated: 2015-01-01. Review status: no assertion criteria provided. Collection method: research. Allele origin: unknown. Affected: yes. Observed: 1 variant allele. Not counted in ClinVar's aggregate classification.

Literature cited by the submitters: PubMed 28041643 (cited by Labcorp Genetics (formerly Invitae), Labcorp and NIHR Bioresource Rare Diseases, University of Cambridge); PubMed 11527933 (cited by Labcorp Genetics (formerly Invitae), Labcorp); PubMed 19933189 (cited by Labcorp Genetics (formerly Invitae), Labcorp); PubMed 29425069 (cited by Labcorp Genetics (formerly Invitae), Labcorp); PubMed 30027431 (cited by Labcorp Genetics (formerly Invitae), Labcorp).